The following is an entry in ClinVar:

NM_007194.4(CHEK2):c.1444A>T (p.Arg482Ter)

Gene: CHEK2 (checkpoint kinase 2; minus strand). Cytogenetic location: 22q12.1.
Variant type: single nucleotide variant.
Coding change: c.1444A>T on transcript NM_007194.4 (MANE Select); coding-DNA position 1444, A replaced by T.
Protein change: p.Arg482Ter; replaces arginine 482 with a stop codon.
Molecular consequence: nonsense.
Genome position (GRCh38, 1-based): chr22:28,694,049, T>A on the plus strand (A>T on the coding strand, the complement: CHEK2 is on the minus strand). VCF-style: chr22-28694049-T-A. GRCh37 (hg19) VCF-style: chr22-29090037-T-A.
Other names: c.1573A>T, p.Arg525Ter (NM_001005735.3); c.781A>T, p.Arg261Ter (NM_001257387.3); c.1243A>T, p.Arg415Ter (NM_001349956.3); c.1357A>T, p.Arg453Ter (NM_145862.3); short protein forms R261*, R415*, R453*, R482*, R525*.
Identifiers: ClinVar variation 2584138 (VCV002584138.2), dbSNP rs1601715996, ClinGen allele CA411094034.

ClinVar aggregate classification (germline): Pathogenic (1 of 4 stars; one submission).

Conditions:
Familial cancer of breast. Also called: BREAST CANCER, FAMILIAL; hereditary breast carcinoma; Hereditary breast cancer. Identifiers: Orphanet 227535, MedGen C0346153, MONDO:0016419, OMIM 114480. Disease mechanism: loss of function.

Submission:

Myriad Genetics, Inc.
Classification: Pathogenic for Familial cancer of breast. Last evaluated: 2023-06-28. Review status: criteria provided, single submitter. Criteria: Myriad Autosomal Dominant, Autosomal Recessive and X-Linked Classification Criteria (2023). Collection method: clinical testing. Allele origin: unknown.
Comment: This variant is considered pathogenic. This variant creates a termination codon and is predicted to result in premature protein truncation.